The following is an entry in ClinVar:

ClinVar aggregate classification (germline): Uncertain significance (1 of 4 stars; one submission).

Submission:

GeneDx
Classification: Uncertain significance. Last evaluated: 2021-09-09. Review status: criteria provided, single submitter. Criteria: GeneDx Variant Classification Process June 2021. Collection method: clinical testing. Allele origin: germline. Affected: yes.
Comment: Not observed at significant frequency in large population cohorts (gnomAD); Nonsense variant predicted to result in protein truncation or nonsense mediated decay in the I-band region of the TTN gene, which is not one of the regions known to be significantly associated with TTN-related disease; Has not been previously published as pathogenic or benign to our knowledge; This variant is associated with the following publications: (PMID: 23975875)

NM_001267550.2(TTN):c.10546G>T (p.Glu3516Ter)

Gene: TTN (titin; minus strand). Cytogenetic location: 2q31.2.
Variant type: single nucleotide variant.
Coding change: c.10546G>T on transcript NM_001267550.2 (MANE Select); coding-DNA position 10546, G replaced by T.
Protein change: p.Glu3516Ter; replaces glutamic acid 3516 with a stop codon.
Molecular consequence: nonsense. On other transcripts: intron variant (5).
Genome position (GRCh38, 1-based): chr2:178,757,674, C>A on the plus strand (G>T on the coding strand, the complement: TTN is on the minus strand). VCF-style: chr2-178757674-C-A. GRCh37 (hg19) VCF-style: chr2-179622401-C-A.
Other names: c.10408G>T, p.Glu3470Ter (NM_133432.3); c.10165+1310G>T (NM_003319.4); c.10166-877G>T (NM_133437.4); c.10303+1310G>T (NM_133378.4, NM_001256850.1, NM_133379.5); short protein forms E3470*, E3516*.
Identifiers: ClinVar variation 1343918 (VCV001343918.2), dbSNP rs2154335998, ClinGen allele CA349671964.